The following is an entry in ClinVar:

NM_052947.4(ALPK2):c.5791C>G (p.Arg1931Gly)

Gene: ALPK2 (alpha kinase 2; minus strand). Cytogenetic location: 18q21.31.
Variant type: single nucleotide variant.
Coding change: c.5791C>G on transcript NM_052947.4 (MANE Select); coding-DNA position 5791, C replaced by G.
Protein change: p.Arg1931Gly; replaces arginine 1931 with glycine.
Molecular consequence: missense variant.
Genome position (GRCh38, 1-based): chr18:58,517,057, G>C on the plus strand (C>G on the coding strand, the complement: ALPK2 is on the minus strand). VCF-style: chr18-58517057-G-C. GRCh37 (hg19) VCF-style: chr18-56184289-G-C.
Other names: short protein forms R1931G.
Identifiers: ClinVar variation 1749669 (VCV001749669.2), dbSNP rs56067275, ClinGen allele CA402548804.

ClinVar aggregate classification (germline): Uncertain significance (1 of 4 stars; one submission).

Submission:

Ambry Genetics
Classification: Uncertain significance. Last evaluated: 2022-10-22. Review status: criteria provided, single submitter. Criteria: Ambry Variant Classification Scheme 2023. Collection method: clinical testing. Allele origin: germline.
Comment: The p.R1931G variant (also known as c.5791C>G), located in coding exon 8 of the ALPK2 gene, results from a C to G substitution at nucleotide position 5791. The arginine at codon 1931 is replaced by glycine, an amino acid with dissimilar properties. This amino acid position is conserved. In addition, the in silico prediction for this alteration is inconclusive. Since supporting evidence is limited at this time, the clinical significance of this alteration remains unclear.